The following is an entry in ClinVar:

NC_000002.11:g.(?_182409407)_(182414455_?)dup

Gene: CERKL (ceramide kinase like; minus strand). Cytogenetic location: 2q31.3.
Variant type: Duplication.
Identifiers: ClinVar variation 3247474 (VCV003247474.1).

ClinVar aggregate classification (germline): Likely pathogenic (1 of 4 stars; one submission).

Submission:

Labcorp Genetics (formerly Invitae), Labcorp
Classification: Likely pathogenic. Last evaluated: 2023-05-02. Review status: criteria provided, single submitter. Criteria: Invitae Variant Classification Sherloc (09022015). Collection method: clinical testing. Allele origin: unknown.
Comment: In summary, the currently available evidence indicates that the variant is pathogenic, but additional data are needed to prove that conclusively. Therefore, this variant has been classified as Likely Pathogenic. This variant has not been reported in the literature in individuals affected with CERKL-related conditions. This variant results in a copy number gain of the genomic region encompassing exon(s) 7-12 of the CERKL gene. While the exact position of this variant cannot be determined from the data, sub-genic copy number gains are generally in tandem (PMID: 25640679). This variant is predicted to be out-of-frame, and may result in an absent or disrupted protein product. Loss-of-function variants in CERKL are known to be pathogenic (PMID: 14681825, 23591405, 24043777).

Literature cited by the submitters: PubMed 25640679; PubMed 14681825; PubMed 23591405; PubMed 24043777.